The following is an entry in ClinVar:

NM_000233.4(LHCGR):c.1118C>T (p.Ala373Val)

Genes: LHCGR (luteinizing hormone/choriogonadotropin receptor; minus strand), STON1-GTF2A1L (STON1-GTF2A1L readthrough; plus strand). Cytogenetic location: 2p16.3.
Variant type: single nucleotide variant.
Coding change: c.1118C>T on transcript NM_000233.4 (MANE Select); coding-DNA position 1118, C replaced by T.
Protein change: p.Ala373Val; replaces alanine 373 with valine.
Molecular consequence: missense variant. On other transcripts: intron variant (1).
Genome position (GRCh38, 1-based): chr2:48,688,679, G>A on the plus strand (C>T on the coding strand, the complement: LHCGR is on the minus strand). VCF-style: chr2-48688679-G-A. GRCh37 (hg19) VCF-style: chr2-48915818-G-A.
Other names: c.3441+16999G>A (NM_001198593.2); short protein forms A373V.
Identifiers: ClinVar variation 14397 (VCV000014397.2), dbSNP rs121912528, ClinGen allele CA123926.

ClinVar aggregate classification (germline): Likely pathogenic. Review status: criteria provided, single submitter (1 of 4 stars). 2 submissions from 2 submitters: Likely pathogenic (1). 1 of the submissions does not count toward it. Last evaluated 2025-10-09.

Conditions:
Gonadotropin-independent familial sexual precocity. Also called: TESTOTOXICOSIS, FAMILIAL; Familial male-limited precocious puberty. Identifiers: Orphanet 3000, MedGen C0342549, MONDO:0008303, OMIM 176410.

Submissions (2):

Molecular Genetics and NGS Laboratory, Hospital Fundacion Valle Del Lili
Classification: Likely pathogenic for Gonadotropin-independent familial sexual precocity. Last evaluated: 2025-10-09. Review status: criteria provided, single submitter. Criteria: ACMG Guidelines, 2015. Collection method: clinical testing. Allele origin: germline. Inheritance: Sex-limited autosomal dominant. Affected: yes. Observed: 1 heterozygote.
Comment: Currently, this variant is classified in databases such as Varsome and Franklin-Genoox as a variant of uncertain clinical significance (VUS). However, we propose its clinical reclassification as likely pathogenic, based on the personal and family history of our patient. Segregation analysis in the parents could not be performed; therefore, the inheritance pattern of the variant remains undetermined. Male-limited precocious puberty disorder associated with the LHCGR has been described.

OMIM
Classification: Pathogenic for PRECOCIOUS PUBERTY, MALE-LIMITED. Last evaluated: 1998-02-01. Review status: no assertion criteria provided. Collection method: literature only. Allele origin: germline. Not counted in ClinVar's aggregate classification.

Literature cited by the submitters: DOI 10.1210/jcem.83.2.4579 (cited by Molecular Genetics and NGS Laboratory, Hospital Fundacion Valle Del Lili); PubMed 9467560 (cited by OMIM).